The following is an entry in ClinVar:

NM_001844.5(COL2A1):c.1804A>G (p.Met602Val)

Gene: COL2A1 (collagen type II alpha 1 chain; minus strand). Cytogenetic location: 12q13.11.
Variant type: single nucleotide variant.
Coding change: c.1804A>G on transcript NM_001844.5 (MANE Select); coding-DNA position 1804, A replaced by G.
Protein change: p.Met602Val; replaces methionine 602 with valine.
Molecular consequence: missense variant.
Genome position (GRCh38, 1-based): chr12:47,985,024, T>C on the plus strand (A>G on the coding strand, the complement: COL2A1 is on the minus strand). VCF-style: chr12-47985024-T-C. GRCh37 (hg19) VCF-style: chr12-48378807-T-C.
Other names: c.1597A>G, p.Met533Val (NM_033150.3); short protein forms M533V, M602V.
Identifiers: ClinVar variation 3343023 (VCV003343023.1).
Genomic context (GRCh38, chr12:47,985,024, plus strand): 5'-GAAGGAAATAGAAGAGCAAATTATTACTTACGTTGGCACCTTTGGGGCCAGGGAAACCCA[T>C]GACACCAGGCTGCCCACGAGCCCCCTGAGGACCTGGAGGTCCAGGACGACCATCTTCACC-3'
Protein context (NP_001835.3, residues 592-612): PQGARGQPGV[Met602Val]GFPGPKGANG

ClinVar aggregate classification (germline): Uncertain significance (1 of 4 stars; one submission).

gnomAD v4.1: 6 of 1,614,004 alleles (0.00037%); highest among the groups gnomAD compares: Middle Eastern, 0.033%; no homozygotes.

Submission:

GeneDx
Classification: Uncertain significance. Last evaluated: 2023-04-06. Review status: criteria provided, single submitter. Criteria: GeneDx Variant Classification Process June 2021. Collection method: clinical testing. Allele origin: germline. Affected: yes.
Comment: Has not been previously published as pathogenic or benign to our knowledge; Not observed at significant frequency in large population cohorts (gnomAD); Occurs in the triple helical domain at the Y position in the canonical Gly-X-Y repeat; although this variant may have an effect on normal protein folding and function, missense substitution at the Y position is not a common mechanism of disease (HGMD); In silico analysis supports that this missense variant does not alter protein structure/function